The following is an entry in ClinVar:

ClinVar aggregate classification (germline): Uncertain significance (1 of 4 stars; one submission).

Submission:

GeneDx
Classification: Uncertain significance. Last evaluated: 2024-09-04. Review status: criteria provided, single submitter. Criteria: GeneDx Variant Classification Process June 2021. Collection method: clinical testing. Allele origin: germline. Affected: yes.
Comment: Not observed at significant frequency in large population cohorts (gnomAD); In-frame deletion of 2 amino acids in a non-repeat region; In silico analysis indicates that this variant does not alter protein structure/function; Has not been previously published as pathogenic or benign to our knowledge

NM_003128.3(SPTBN1):c.7056_7061del (p.Asp2352_Lys2353del)

Genes: SPTBN1 (spectrin beta, non-erythrocytic 1; plus strand), SPTBN1-AS2 (SPTBN1 antisense RNA 2; minus strand). Cytogenetic location: 2p16.2.
Variant type: Deletion.
Coding change: c.7056_7061del on transcript NM_003128.3 (MANE Select); coding-DNA positions 7056 to 7061, 6 bases deleted (CAAAGA; older notation c.7056_7061delCAAAGA).
Protein change: p.Asp2352_Lys2353del.
Genome position (GRCh38, 1-based): chr2:54,668,530-54,668,535, CAAAGA deleted; deleting any 6 consecutive bases within chr2:54,668,525-54,668,535 gives the same sequence; the c. name uses the placement nearest the transcript's 3' end. VCF-style (leftmost placement, unchanged base first): chr2-54668524-GAAAGAC-G. GRCh37 (hg19) VCF-style: chr2-54895661-GAAAGAC-G.
Identifiers: ClinVar variation 3767780 (VCV003767780.1).